The following is an entry in ClinVar:

NM_002742.3(PRKD1):c.1225del (p.Arg408_Val409insTer)

Gene: PRKD1 (protein kinase D1; minus strand). Cytogenetic location: 14q12.
Variant type: Deletion.
Coding change: c.1225del on transcript NM_002742.3 (MANE Select); coding-DNA position 1225, one base deleted (G; older notation c.1225delG).
Protein change: p.Arg408_Val409insTer.
Molecular consequence: nonsense.
Genome position (GRCh38, 1-based): chr14:29,634,507, C deleted on the plus strand (G on the coding strand, the reverse complement: PRKD1 is on the minus strand); the first of 3 consecutive C bases (chr14:29,634,507-29,634,509); deleting any one gives the same sequence. VCF-style (leftmost placement, unchanged base first): chr14-29634506-AC-A. GRCh37 (hg19) VCF-style: chr14-30103712-AC-A.
Other names: c.1249del, p.Arg416_Val417insTer (NM_001330069.2); c.961del, p.Arg320_Val321insTer (NM_001348390.1).
Identifiers: ClinVar variation 3355736 (VCV003355736.1).
Genomic context (GRCh38, chr14:29,634,506, plus strand): 5'-ATCCATCCTTCTTTCATGACTGTGCTGCTTTTCCTCTTCGTGTGTTTGACAGACTGCACT[AC>A]CCTCATGAGTGGGATATTGTTGCTTGTTGATGGACTTGAGAAGTCAAAATATTGTAGGGA-3'

ClinVar aggregate classification (germline): Uncertain significance (0 of 4 stars; one submission).

Conditions:
PRKD1-related disorder. Also called: PRKD1-related condition.

Submission:

PreventionGenetics, part of Exact Sciences
Classification: Uncertain significance for PRKD1-related condition. Last evaluated: 2024-08-27. Review status: no assertion criteria provided. Collection method: clinical testing. Allele origin: germline.
Comment: The PRKD1 c.1249delG variant is predicted to result in premature protein termination (p.Val417*). To our knowledge, this variant has not been reported in the literature or in a large population database, indicating this variant is rare. Two protein truncating variants in PRKD1 have been reported; however, these variants occur downstream of amino acid 417 (Shaheen et al. 2015. PubMed ID: 25713110; Monies et al. 2019. PubMed ID: 31130284). Although we suspect that this variant may be pathogenic, at this time, the clinical significance of this variant is uncertain due to the absence of conclusive functional and genetic evidence.